The following is an entry in ClinVar:

ClinVar aggregate classification (germline): Uncertain significance (1 of 4 stars; one submission).

Conditions:
Holoprosencephaly 5 (HPE5). Identifiers: Orphanet 2162, MedGen C1864827, MONDO:0012322, OMIM 609637.

Submission:

Labcorp Genetics (formerly Invitae), Labcorp
Classification: Uncertain significance for Holoprosencephaly 5. Last evaluated: 2021-11-18. Review status: criteria provided, single submitter. Criteria: Invitae Variant Classification Sherloc (09022015). Collection method: clinical testing. Allele origin: germline.
Comment: This sequence change replaces threonine, which is neutral and polar, with lysine, which is basic and polar, at codon 328 of the ZIC2 protein (p.Thr328Lys). In summary, the available evidence is currently insufficient to determine the role of this variant in disease. Therefore, it has been classified as a Variant of Uncertain Significance. Algorithms developed to predict the effect of missense changes on protein structure and function are either unavailable or do not agree on the potential impact of this missense change (SIFT: "Deleterious"; PolyPhen-2: "Benign"; Align-GVGD: "Class C65"). This missense change has been observed in individual(s) with holoprosencephaly (Invitae). This variant is not present in population databases (gnomAD no frequency).

NM_007129.5(ZIC2):c.983C>A (p.Thr328Lys)

Gene: ZIC2 (Zic family zinc finger 2; plus strand). Cytogenetic location: 13q32.3.
Variant type: single nucleotide variant.
Coding change: c.983C>A on transcript NM_007129.5 (MANE Select); coding-DNA position 983, C replaced by A.
Protein change: p.Thr328Lys; replaces threonine 328 with lysine.
Molecular consequence: missense variant.
Genome position (GRCh38, 1-based): chr13:99,983,047, C>A. VCF-style: chr13-99983047-C-A. GRCh37 (hg19) VCF-style: chr13-100635301-C-A.
Other names: short protein forms T328K.
Identifiers: ClinVar variation 1393860 (VCV001393860.6), dbSNP rs2053244542, ClinGen allele CA388638535.